The following is an entry in ClinVar:

NM_021870.3(FGG):c.349GAA[1] (p.Glu118del)

Gene: FGG (fibrinogen gamma chain; minus strand). Cytogenetic location: 4q32.1.
Variant type: Microsatellite.
Coding change: c.349GAA[1] on transcript NM_021870.3 (MANE Select); one copy of the 3-base unit GAA starting at c.349; the reference has two copies in a row; one copy, 3 bases deleted.
Protein change: p.Glu118del; deletes glutamic acid 118.
Genome position (GRCh38, 1-based): chr4:154,611,852-154,611,854, TTC deleted on the plus strand (GAA on the coding strand, the reverse complement: FGG is on the minus strand); deleting any 3 consecutive bases within chr4:154,611,852-154,611,858 gives the same sequence; the position shown is the placement nearest the transcript's 3' end. VCF-style (leftmost placement, unchanged base first): chr4-154611851-TTTC-T. GRCh37 (hg19) VCF-style: chr4-155533003-TTTC-T.
Other names: c.349GAA[1], p.Glu118del (NM_000509.6); c.352_354delGAA (NM_021870.3); short protein forms E118del.
Identifiers: ClinVar variation 3768992 (VCV003768992.1).

ClinVar aggregate classification (germline): Uncertain significance (1 of 4 stars; one submission).

Submission:

Women's Health and Genetics/Laboratory Corporation of America, LabCorp
Classification: Uncertain significance. Last evaluated: 2025-02-18. Review status: criteria provided, single submitter. Criteria: LabCorp Variant Classification Summary - May 2015. Collection method: clinical testing. Allele origin: germline.
Comment: Variant summary: FGG c.352_354delGAA (p.Glu118del) results in an in-frame deletion that is predicted to remove one amino acid from the encoded protein. The variant was absent in 249868 control chromosomes. The available data on variant occurrences in the general population are insufficient to allow any conclusion about variant significance. To our knowledge, no occurrence of c.352_354delGAA in individuals affected with Congenital Dysfibrinogenemia and no experimental evidence demonstrating its impact on protein function have been reported. No submitters have cited clinical-significance assessments for this variant to ClinVar. Based on the evidence outlined above, the variant was classified as uncertain significance.